The following is an entry in ClinVar:

NM_001042492.3(NF1):c.4836-2A>G

Gene: NF1 (neurofibromin 1; plus strand). Cytogenetic location: 17q11.2.
Variant type: single nucleotide variant.
Coding change: c.4836-2A>G on transcript NM_001042492.3 (MANE Select); the canonical splice acceptor site of the intron before coding-DNA position 4836, A replaced by G.
Molecular consequence: splice acceptor variant.
Genome position (GRCh38, 1-based): chr17:31,325,818, A>G. VCF-style: chr17-31325818-A-G. GRCh37 (hg19) VCF-style: chr17-29652836-A-G.
Other names: c.4773-2A>G (NM_000267.4).
Identifiers: ClinVar variation 2573197 (VCV002573197.8), dbSNP rs1555533265, ClinGen allele CA399006868.

ClinVar aggregate classification (germline): Pathogenic/Likely pathogenic. Review status: criteria provided, multiple submitters, no conflicts (2 of 4 stars). 5 submissions from 5 submitters: Pathogenic (4); Likely pathogenic (1). Last evaluated 2026-01-31.

Conditions:
Neurofibromatosis, type 1 (NF1). Also called: NEUROFIBROMATOSIS, TYPE I, SOMATIC; Peripheral type neurofibromatosis; VON RECKLINGHAUSEN DISEASE; Neurofibromatosis, type I. Identifiers: Orphanet 636, MedGen C0027831, MONDO:0018975, OMIM 162200. Disease mechanism: loss of function.
Juvenile myelomonocytic leukemia (JMML). Also called: LEUKEMIA, JUVENILE MYELOMONOCYTIC, SOMATIC. Identifiers: Orphanet 86834, MedGen C0349639, MONDO:0011908, OMIM 607785, HP:0012209.
NF1-related disorder. Also called: NF1-related condition. Identifiers: MedGen CN379171.

Submissions (5):

Labcorp Genetics (formerly Invitae), Labcorp
Classification: Pathogenic for Neurofibromatosis, type 1. Last evaluated: 2026-01-31. Review status: criteria provided, single submitter. Criteria: Invitae Variant Classification Sherloc (09022015). Collection method: clinical testing. Allele origin: germline.
Comment: This sequence change affects an acceptor splice site in intron 35 of the NF1 gene. It is expected to disrupt RNA splicing. Variants that disrupt the donor or acceptor splice site typically lead to a loss of protein function (PMID: 16199547), and loss-of-function variants in NF1 are known to be pathogenic (PMID: 10712197, 23913538). This variant is not present in population databases (gnomAD no frequency). Disruption of this splice site has been observed in individual(s) with neurofibromatosis, type 1 (PMID: 17311297, 31776437, 33210232). ClinVar contains an entry for this variant (Variation ID: 2573197). Algorithms developed to predict the effect of sequence changes on RNA splicing suggest that this variant may disrupt the consensus splice site. For these reasons, this variant has been classified as Pathogenic.

GeneDx
Classification: Pathogenic. Last evaluated: 2024-11-25. Review status: criteria provided, single submitter. Criteria: GeneDx Variant Classification Process June 2021. Collection method: clinical testing. Allele origin: germline. Affected: yes.
Comment: Canonical splice site variant predicted to result in a null allele in a gene for which loss of function is a known mechanism of disease; Not observed at significant frequency in large population cohorts (gnomAD); This variant is associated with the following publications: (PMID: 25525159, 17311297, 38226287, 33210232, 31776437)

Baylor Genetics
Classification: Pathogenic for Juvenile myelomonocytic leukemia. Last evaluated: 2023-11-10. Review status: criteria provided, single submitter. Criteria: ACMG Guidelines, 2015. Collection method: clinical testing. Allele origin: unknown.

Department of Paediatric Medicine, Post Graduation Institute of Medical Education and Research
Classification: Likely pathogenic for Neurofibromatosis, type 1. Last evaluated: 2023-07-21. Review status: criteria provided, single submitter. Criteria: ACMG Guidelines, 2015. Collection method: clinical testing. Allele origin: de novo. Inheritance: Autosomal dominant inheritance. Affected: yes. Observed: 1 variant allele, 1 heterozygote.
Comment: The splice acceptor variant NM_000267.3(NF1):c.4773-2A>G has not been reported previously as a pathogenic variant nor as a benign variant, to our knowledge. The c.4773-2A>G variant is novel (not in any individuals) in gnomAD. The c.4773-2A>G variant is novel (not in any individuals) in 1kG. This variant mutates a splice- acceptor sequence and is predicted to disrupt the reading frame, resulting in nonsense mediated decay. This variant results in the loss of an acceptor splice site for the clinically relevant transcript. This variant disrupts the acceptor splice site for an exon upstream from the last coding exon resulting in a frameshift mutation that is predicted to cause nonsense mediated decay. The gene NF1 has a low rate of benign loss of function variants as indicated by a low upper bound of the observed/expected confidence interval 0.29. The c.4773-2A>G variant is a loss of function variant in the gene NF1, which is intolerant of Loss of Function variants, as indicated by the presence of existing pathogenic loss of function variant NP_000258.1:p.M1_V2818delins9 and 1571 others. For these reasons, this variant has been classified as Likely Pathogenic.

Blueprint Genetics
Classification: Pathogenic for NF1-related disorders. Last evaluated: 2023-06-05. Review status: criteria provided, single submitter. Criteria: ACMG Guidelines, 2015. Collection method: clinical testing. Allele origin: germline. Affected: yes. Observed: 2 variant alleles.

Literature cited by the submitters: PubMed 16199547 (cited by Labcorp Genetics (formerly Invitae), Labcorp); PubMed 10712197 (cited by Labcorp Genetics (formerly Invitae), Labcorp); PubMed 23913538 (cited by Labcorp Genetics (formerly Invitae), Labcorp); PubMed 17311297 (cited by Labcorp Genetics (formerly Invitae), Labcorp); PubMed 31776437 (cited by Labcorp Genetics (formerly Invitae), Labcorp); PubMed 33210232 (cited by Labcorp Genetics (formerly Invitae), Labcorp).